The following is an entry in ClinVar:

ClinVar aggregate classification (germline): Uncertain significance. Review status: criteria provided, multiple submitters, no conflicts (2 of 4 stars). 3 submissions from 3 submitters: Uncertain significance (3). Last evaluated 2025-11-16.

Conditions:
Cardiovascular phenotype. Identifiers: MedGen CN230736.
Hypertrophic cardiomyopathy. Also called: HYPERTROPHIC MYOCARDIOPATHY. Identifiers: Orphanet 217569, MedGen C0007194, MeSH D002312, MONDO:0005045, HP:0001639.

Allele frequency attached by ClinVar (database versions not stated): gnomAD exomes below 0.00001; TOPMed 0.00002.
gnomAD v4.1: 2 of 1,614,216 alleles (0.00012%); highest among the groups gnomAD compares: African/African-American, 0.0027%; no homozygotes.

Submissions (3):

Labcorp Genetics (formerly Invitae), Labcorp
Classification: Uncertain significance for Hypertrophic cardiomyopathy. Last evaluated: 2025-11-16. Review status: criteria provided, single submitter. Criteria: Invitae Variant Classification Sherloc (09022015). Collection method: clinical testing. Allele origin: germline.
Comment: This sequence change replaces leucine, which is neutral and non-polar, with phenylalanine, which is neutral and non-polar, at codon 859 of the MYH7 protein (p.Leu859Phe). This variant is present in population databases (no rsID available, gnomAD 0.007%). This variant has not been reported in the literature in individuals affected with MYH7-related conditions. ClinVar contains an entry for this variant (Variation ID: 856038). Invitae Evidence Modeling of protein sequence and biophysical properties (such as structural, functional, and spatial information, amino acid conservation, physicochemical variation, residue mobility, and thermodynamic stability) indicates that this missense variant is expected to disrupt MYH7 protein function with a positive predictive value of 95%. This variant is found within a region of MYH7 between codons 181 and 937 that contains the majority of the myosin head domain. Missense variants in this region have been shown to be significantly overrepresented in individuals with hypertrophic cardiomyopathy (PMID: 27532257). In summary, the available evidence is currently insufficient to determine the role of this variant in disease. Therefore, it has been classified as a Variant of Uncertain Significance.

Ambry Genetics
Classification: Uncertain significance for Cardiovascular phenotype. Last evaluated: 2025-01-10. Review status: criteria provided, single submitter. Criteria: Ambry Variant Classification Scheme 2023. Collection method: clinical testing. Allele origin: germline.
Comment: The p.L859F variant (also known as c.2575C>T), located in coding exon 20 of the MYH7 gene, results from a C to T substitution at nucleotide position 2575. The leucine at codon 859 is replaced by phenylalanine, an amino acid with highly similar properties. This amino acid position is not well conserved in available vertebrate species. In addition, the in silico prediction for this alteration is inconclusive. Based on the available evidence, the clinical significance of this variant remains unclear.

GeneDx
Classification: Uncertain significance. Last evaluated: 2021-01-13. Review status: criteria provided, single submitter. Criteria: GeneDx Variant Classification Process June 2021. Collection method: clinical testing. Allele origin: germline. Affected: yes.
Comment: Has not been previously published as pathogenic or benign to our knowledge; Not observed at a significant frequency in large population cohorts (Lek et al., 2016); In silico analysis supports that this missense variant does not alter protein structure/function; Reported in ClinVar as a variant of uncertain significance (ClinVar Variant ID# 856038; Landrum et al., 2016)

Literature cited by the submitters: PubMed 27532257 (cited by Labcorp Genetics (formerly Invitae), Labcorp).

NM_000257.4(MYH7):c.2575C>T (p.Leu859Phe)

Genes: MYH7 (myosin heavy chain 7; minus strand), LOC126861898 (BRD4-independent group 4 enhancer GRCh37_chr14:23893609-23894808; plus strand). Cytogenetic location: 14q11.2.
Variant type: single nucleotide variant.
Coding change: c.2575C>T on transcript NM_000257.4 (MANE Select); coding-DNA position 2575, C replaced by T.
Protein change: p.Leu859Phe; replaces leucine 859 with phenylalanine.
Molecular consequence: missense variant.
Genome position (GRCh38, 1-based): chr14:23,424,873, G>A on the plus strand (C>T on the coding strand, the complement: MYH7 is on the minus strand). VCF-style: chr14-23424873-G-A. GRCh37 (hg19) VCF-style: chr14-23894082-G-A.
Other names: short protein forms L859F.
Identifiers: ClinVar variation 856038 (VCV000856038.10), dbSNP rs1483811980, ClinGen allele CA389048119.